The following is an entry in ClinVar:

ClinVar aggregate classification (germline): Benign. Review status: criteria provided, multiple submitters, no conflicts (2 of 4 stars). 2 submissions from 2 submitters: Benign (2). Last evaluated 2026-01-26.

Conditions:
Exostoses, multiple, type 2 (EXT2). Also called: Hereditary Multiple Osteochondromatosis, Type II; EXOSTOSES, MULTIPLE, TYPE II. Identifiers: Orphanet 321, MedGen C1851413, MONDO:0007586, OMIM 133701.

Allele frequency attached by ClinVar (database versions not stated): gnomAD exomes 0.00015 and 0.00039; ExAC 0.00055; gnomAD 0.00172 and 0.00173; ESP Exome Variant Server 0.00177; TOPMed 0.00180; 1000 Genomes Project 30x 0.00219; 1000 Genomes Project 0.00240.
gnomAD v4.1: 487 of 1,613,682 alleles (0.03%); highest among the groups gnomAD compares: African/African-American, 0.58%; 4 homozygotes.

Submissions (2):

Labcorp Genetics (formerly Invitae), Labcorp
Classification: Benign for Exostoses, multiple, type 2. Last evaluated: 2026-01-26. Review status: criteria provided, single submitter. Criteria: Invitae Variant Classification Sherloc (09022015). Collection method: clinical testing. Allele origin: germline.

Illumina Laboratory Services, Illumina
Classification: Benign for Exostoses, multiple, type 2. Last evaluated: 2018-01-13. Review status: criteria provided, single submitter. Criteria: ICSL Variant Classification Criteria 13 December 2019. Collection method: clinical testing. Allele origin: germline.
Comment: This variant was observed in the ICSL laboratory as part of a predisposition screen in an ostensibly healthy population. It had not been previously curated by ICSL or reported in the Human Gene Mutation Database (HGMD: prior to June 1st, 2018), and was therefore a candidate for classification through an automated scoring system. Utilizing variant allele frequency, disease prevalence and penetrance estimates, and inheritance mode, an automated score was calculated to assess if this variant is too frequent to cause the disease. Based on the score and internal cut-off values, a variant classified as benign is not then subjected to further curation. The score for this variant resulted in a classification of benign for this disease.

NM_207122.2(EXT2):c.2019-14T>C

Gene: EXT2 (exostosin glycosyltransferase 2; plus strand). Cytogenetic location: 11p11.2.
Variant type: single nucleotide variant.
Coding change: c.2019-14T>C on transcript NM_207122.2 (MANE Select); 14 bases into the intron before coding-DNA position 2019, T replaced by C.
Molecular consequence: intron variant.
Genome position (GRCh38, 1-based): chr11:44,244,135, T>C. VCF-style: chr11-44244135-T-C. GRCh37 (hg19) VCF-style: chr11-44265685-T-C.
Other names: c.2019-14T>C (NM_001389630.1, NM_001389628.1); c.2049-14T>C (NM_001178083.3); c.2118-14T>C (NM_000401.3).
Identifiers: ClinVar variation 877190 (VCV000877190.11), dbSNP rs141747687, ClinGen allele CA5955437.